The following is an entry in ClinVar:

NM_001035.3(RYR2):c.11522G>A (p.Arg3841Gln)

Gene: RYR2 (ryanodine receptor 2; plus strand). Cytogenetic location: 1q43.
Variant type: single nucleotide variant.
Coding change: c.11522G>A on transcript NM_001035.3 (MANE Select); coding-DNA position 11522, G replaced by A.
Protein change: p.Arg3841Gln; replaces arginine 3841 with glutamine.
Molecular consequence: missense variant.
Genome position (GRCh38, 1-based): chr1:237,770,852, G>A. VCF-style: chr1-237770852-G-A. GRCh37 (hg19) VCF-style: chr1-237934152-G-A.
Other names: c.11522G>A, p.Arg3841Gln (LRG_402t1); short protein forms R3841Q.
Identifiers: ClinVar variation 519271 (VCV000519271.6), dbSNP rs1553317322, ClinGen allele CA345406719.

ClinVar aggregate classification (germline): Uncertain significance. Review status: criteria provided, multiple submitters, no conflicts (2 of 4 stars). 2 submissions from 2 submitters: Uncertain significance (2). Last evaluated 2024-08-23.

Conditions:
Cardiovascular phenotype. Identifiers: MedGen CN230736.
Catecholaminergic polymorphic ventricular tachycardia (CVPT). Also called: Catecholamine-induced polymorphic ventricular tachycardia. Identifiers: Orphanet 3286, MedGen C5574922, MONDO:0017990.

Allele frequency attached by ClinVar (database versions not stated): gnomAD exomes below 0.00001.
gnomAD v4.1: 1 of 1,552,696 alleles (0.000064%); highest among the groups gnomAD compares: Non-Finnish European, 0.000087%; no homozygotes.

Submissions (2):

All of Us Research Program, National Institutes of Health
Classification: Uncertain significance for Catecholaminergic polymorphic ventricular tachycardia. Last evaluated: 2024-08-23. Review status: criteria provided, single submitter. Criteria: ACMG Guidelines, 2015. Collection method: clinical testing. Allele origin: germline. Inheritance: Autosomal dominant inheritance. Observed: 1 variant allele, 1 heterozygote.
Comment: This missense variant replaces arginine with glutamine at codon 3841 of the RYR2 protein. Computational prediction suggests that this variant may have deleterious impact on protein structure and function. To our knowledge, functional studies have not been reported for this variant. This variant has not been reported in individuals affected with RYR2-related disorders in the literature. This variant has not been identified in the general population by the Genome Aggregation Database (gnomAD). The available evidence is insufficient to determine the role of this variant in disease conclusively. Therefore, this variant is classified as a Variant of Uncertain Significance.

This study involves interpretation of variants in research participants for the purpose of population health screening. Participant phenotype was not available at the time of variant classification. Additional details can be found in publication PMID: 35346344, PMCID: PMC8962531

Ambry Genetics
Classification: Uncertain significance for Cardiovascular phenotype. Last evaluated: 2016-07-15. Review status: criteria provided, single submitter. Criteria: Ambry Variant Classification Scheme 2023. Collection method: clinical testing. Allele origin: germline.
Comment: The p.R3841Q variant (also known as c.11522G>A), located in coding exon 85 of the RYR2 gene, results from a G to A substitution at nucleotide position 11522. The arginine at codon 3841 is replaced by glutamine, an amino acid with highly similar properties. This variant was not reported in population-based cohorts in the following databases: Database of Single Nucleotide Polymorphisms (dbSNP), Exome Aggregation Consortium (ExAC), NHLBI Exome Sequencing Project (ESP), and 1000 Genomes Project. In the ESP, this variant was not observed in 5965 samples (11930 alleles) with coverage at this position. This amino acid position is highly conserved in available vertebrate species. In addition, this alteration is predicted to be deleterious by in silico analysis. Since supporting evidence is limited at this time, the clinical significance of this alteration remains unclear.